The following is an entry in ClinVar:

ClinVar aggregate classification (germline): Uncertain significance (1 of 4 stars; one submission).

Conditions:
PCNT-related disorder. Also called: PCNT-related condition.

gnomAD v4.1: 4 of 1,614,198 alleles (0.00025%); highest among the groups gnomAD compares: Non-Finnish European, 0.00025%; no homozygotes.

Submission:

PreventionGenetics, part of Exact Sciences
Classification: Uncertain significance for PCNT-related condition. Last evaluated: 2024-12-14. Review status: criteria provided, single submitter. Criteria: ACMG Guidelines, 2015. Collection method: clinical testing. Allele origin: germline.
Comment: The PCNT c.6323G>A variant is predicted to result in the amino acid substitution p.Ser2108Asn. To our knowledge, this variant has not been reported in the literature or in a large population database (gnomAD), indicating this variant is rare. At this time, the clinical significance of this variant is uncertain due to the absence of conclusive functional and genetic evidence.

NM_006031.6(PCNT):c.6323G>A (p.Ser2108Asn)

Gene: PCNT (pericentrin; plus strand). Cytogenetic location: 21q22.3.
Variant type: single nucleotide variant.
Coding change: c.6323G>A on transcript NM_006031.6 (MANE Select); coding-DNA position 6323, G replaced by A.
Protein change: p.Ser2108Asn; replaces serine 2108 with asparagine.
Molecular consequence: missense variant.
Genome position (GRCh38, 1-based): chr21:46,416,241, G>A. VCF-style: chr21-46416241-G-A. GRCh37 (hg19) VCF-style: chr21-47836155-G-A.
Other names: c.5969G>A, p.Ser1990Asn (NM_001315529.2); short protein forms S1990N, S2108N.
Identifiers: ClinVar variation 4999734 (VCV004999734.1).